The following is an entry in ClinVar:

NM_032578.4(MYPN):c.1102_1103delinsAA (p.Gly368Asn)

Gene: MYPN (myopalladin; plus strand). Cytogenetic location: 10q21.3.
Variant type: Indel.
Coding change: c.1102_1103delinsAA on transcript NM_032578.4 (MANE Select); coding-DNA positions 1102 to 1103, GG replaced by AA.
Protein change: p.Gly368Asn; replaces glycine 368 with asparagine.
Molecular consequence: missense variant. On other transcripts: non-coding transcript variant (2).
Genome position (GRCh38, 1-based): chr10:68,145,498-68,145,499, GG replaced by AA. VCF-style: chr10-68145498-GG-AA. GRCh37 (hg19) VCF-style: chr10-69905255-GG-AA.
Other names: c.1102_1103delinsAA, p.Gly368Asn (NM_001256267.2); c.220_221delinsAA, p.Gly74Asn (NM_001256268.2); short protein forms G368N, G74N.
Identifiers: ClinVar variation 2640525 (VCV002640525.24), dbSNP rs2495590720, ClinGen allele CA2695199502.

ClinVar aggregate classification (germline): Uncertain significance (1 of 4 stars; one submission).

Submission:

CeGaT Center for Human Genetics Tuebingen
Classification: Uncertain significance. Last evaluated: 2022-03-01. Review status: criteria provided, single submitter. Criteria: CeGaT Center For Human Genetics Tuebingen Variant Classification Criteria Version 2. Collection method: clinical testing. Allele origin: germline. Affected: yes. Observed: 1 variant allele.
Comment: MYPN: PM2